The following is an entry in ClinVar:

ClinVar aggregate classification (germline): Benign/Likely benign. Review status: criteria provided, multiple submitters, no conflicts (2 of 4 stars). 6 submissions from 6 submitters: Benign (5); Likely benign (1). Last evaluated 2026-02-03.

Conditions:
Transcobalamin II deficiency (TCN2D). Also called: TC II DEFICIENCY; TCN2 DEFICIENCY; Transcolabamin II deficiency. Identifiers: Orphanet 859, MedGen C0342701, MONDO:0010149, OMIM 275350.

Allele frequency attached by ClinVar (database versions not stated): 1000 Genomes Project 0.00819; 1000 Genomes Project 30x 0.00859; TOPMed 0.01203; gnomAD 0.01280 and 0.01306; gnomAD exomes 0.01329 and 0.01686; ExAC 0.01397; ESP Exome Variant Server 0.01407.
gnomAD v4.1: 26,468 of 1,613,682 alleles (1.6%); highest among the groups gnomAD compares: Non-Finnish European, 1.9%; 278 homozygotes.

Submissions (6):

Labcorp Genetics (formerly Invitae), Labcorp
Classification: Benign for Transcobalamin II deficiency. Last evaluated: 2026-02-03. Review status: criteria provided, single submitter. Criteria: Invitae Variant Classification Sherloc (09022015). Collection method: clinical testing. Allele origin: germline.

Blueprint Genetics
Classification: Likely benign. Last evaluated: 2024-11-28. Review status: criteria provided, single submitter. Criteria: ACMG Guidelines, 2015. Collection method: clinical testing. Allele origin: germline.

Mayo Clinic Laboratories, Mayo Clinic
Classification: Benign. Last evaluated: 2024-04-12. Review status: criteria provided, single submitter. Criteria: ACMG Guidelines, 2015. Collection method: clinical testing. Allele origin: germline. Observed: 2 variant alleles.
Comment: BA1, BS2, BP4

ARUP Laboratories, Molecular Genetics and Genomics, ARUP Laboratories
Classification: Benign for Transcobalamin II deficiency. Last evaluated: 2023-11-29. Review status: criteria provided, single submitter. Criteria: ARUP Molecular Germline Variant Investigation Process 2024. Collection method: clinical testing. Allele origin: germline.

Illumina Laboratory Services, Illumina
Classification: Benign for Transcobalamin II deficiency. Last evaluated: 2018-01-13. Review status: criteria provided, single submitter. Criteria: ICSL Variant Classification Criteria 13 December 2019. Collection method: clinical testing. Allele origin: germline.
Comment: This variant was observed in the ICSL laboratory as part of a predisposition screen in an ostensibly healthy population. It had not been previously curated by ICSL or reported in the Human Gene Mutation Database (HGMD: prior to June 1st, 2018), and was therefore a candidate for classification through an automated scoring system. Utilizing variant allele frequency, disease prevalence and penetrance estimates, and inheritance mode, an automated score was calculated to assess if this variant is too frequent to cause the disease. Based on the score and internal cut-off values, a variant classified as benign is not then subjected to further curation. The score for this variant resulted in a classification of benign for this disease.

Breakthrough Genomics
Classification: Benign. Review status: criteria provided, single submitter. Criteria: ACMG Guidelines, 2015. Collection method: not provided. Allele origin: germline. Inheritance: Autosomal recessive inheritance. Affected: yes.

NM_000355.4(TCN2):c.265T>C (p.Phe89Leu)

Gene: TCN2 (transcobalamin 2; plus strand). Cytogenetic location: 22q12.2.
Variant type: single nucleotide variant.
Coding change: c.265T>C on transcript NM_000355.4 (MANE Select); coding-DNA position 265, T replaced by C.
Protein change: p.Phe89Leu; replaces phenylalanine 89 with leucine.
Molecular consequence: missense variant.
Genome position (GRCh38, 1-based): chr22:30,612,880, T>C. VCF-style: chr22-30612880-T-C. GRCh37 (hg19) VCF-style: chr22-31008867-T-C.
Other names: c.265T>C, p.Phe89Leu (NM_001184726.2); short protein forms F89L.
Identifiers: ClinVar variation 341191 (VCV000341191.26), dbSNP rs35915865, ClinGen allele CA10184565.